The following is an entry in ClinVar:

NM_001556.3(IKBKB):c.266A>G (p.Asn89Ser)

Gene: IKBKB (inhibitor of nuclear factor kappa B kinase subunit beta; plus strand). Cytogenetic location: 8p11.21.
Variant type: single nucleotide variant.
Coding change: c.266A>G on transcript NM_001556.3 (MANE Select); coding-DNA position 266, A replaced by G.
Protein change: p.Asn89Ser; replaces asparagine 89 with serine.
Molecular consequence: missense variant. On other transcripts: non-coding transcript variant (3).
Genome position (GRCh38, 1-based): chr8:42,290,221, A>G. VCF-style: chr8-42290221-A-G. GRCh37 (hg19) VCF-style: chr8-42147739-A-G.
Other names: c.74A>G, p.Asn25Ser (NM_001190720.3); c.89A>G, p.Asn30Ser (NM_001242778.2); short protein forms N30S, N25S, N89S.
Identifiers: ClinVar variation 953597 (VCV000953597.4), dbSNP rs763432993, ClinGen allele CA4731615.

ClinVar aggregate classification (germline): Uncertain significance (1 of 4 stars; one submission).

Conditions:
Severe combined immunodeficiency due to IKK2 deficiency. Also called: Immunodeficiency 15; IMMUNODEFICIENCY 15B. Identifiers: Orphanet 397787, MedGen C4747743, MONDO:0014267, OMIM 615592.

Allele frequency attached by ClinVar (database versions not stated): gnomAD 0.00001 and 0.00002; gnomAD exomes 0.00002 and 0.00003; ExAC 0.00003; TOPMed 0.00004.
gnomAD v4.1: 41 of 1,613,724 alleles (0.0025%); highest among the groups gnomAD compares: South Asian, 0.0044%; no homozygotes.

Submission:

Labcorp Genetics (formerly Invitae), Labcorp
Classification: Uncertain significance for Severe combined immunodeficiency due to IKK2 deficiency. Last evaluated: 2022-10-25. Review status: criteria provided, single submitter. Criteria: Invitae Variant Classification Sherloc (09022015). Collection method: clinical testing. Allele origin: germline.
Comment: This sequence change replaces asparagine, which is neutral and polar, with serine, which is neutral and polar, at codon 89 of the IKBKB protein (p.Asn89Ser). This variant is present in population databases (rs763432993, gnomAD 0.01%). This variant has not been reported in the literature in individuals affected with IKBKB-related conditions. ClinVar contains an entry for this variant (Variation ID: 953597). Advanced modeling of protein sequence and biophysical properties (such as structural, functional, and spatial information, amino acid conservation, physicochemical variation, residue mobility, and thermodynamic stability) performed at Invitae indicates that this missense variant is not expected to disrupt IKBKB protein function. In summary, the available evidence is currently insufficient to determine the role of this variant in disease. Therefore, it has been classified as a Variant of Uncertain Significance.